The following is an entry in ClinVar:

NM_000287.4(PEX6):c.460C>G (p.Arg154Gly)

Gene: PEX6 (peroxisomal biogenesis factor 6; minus strand). Cytogenetic location: 6p21.1.
Variant type: single nucleotide variant.
Coding change: c.460C>G on transcript NM_000287.4 (MANE Select); coding-DNA position 460, C replaced by G.
Protein change: p.Arg154Gly; replaces arginine 154 with glycine.
Molecular consequence: missense variant. On other transcripts: non-coding transcript variant (1).
Genome position (GRCh38, 1-based): chr6:42,978,691, G>C on the plus strand (C>G on the coding strand, the complement: PEX6 is on the minus strand). VCF-style: chr6-42978691-G-C. GRCh37 (hg19) VCF-style: chr6-42946429-G-C.
Other names: c.460C>G, p.Arg154Gly (NM_001316313.2); short protein forms R154G.
Identifiers: ClinVar variation 1499845 (VCV001499845.5), dbSNP rs746681634, ClinGen allele CA3811618.

ClinVar aggregate classification (germline): Uncertain significance (1 of 4 stars; one submission).

Conditions:
Peroxisome biogenesis disorder. Identifiers: Orphanet 79189, MedGen C1832200, MONDO:0019234. Disease mechanism: loss of function.

Allele frequency attached by ClinVar (database versions not stated): gnomAD exomes 0.00001; ExAC 0.00006.
gnomAD v4.1: 7 of 1,551,326 alleles (0.00045%); highest among the groups gnomAD compares: Non-Finnish European, 0.00043%; no homozygotes.

Submission:

Labcorp Genetics (formerly Invitae), Labcorp
Classification: Uncertain significance for Peroxisome biogenesis disorder. Last evaluated: 2021-09-04. Review status: criteria provided, single submitter. Criteria: Invitae Variant Classification Sherloc (09022015). Collection method: clinical testing. Allele origin: germline.
Comment: This sequence change replaces arginine with glycine at codon 154 of the PEX6 protein (p.Arg154Gly). The arginine residue is weakly conserved and there is a moderate physicochemical difference between arginine and glycine. This variant is present in population databases (rs746681634, ExAC 0.01%). This variant has not been reported in the literature in individuals affected with PEX6-related conditions. Algorithms developed to predict the effect of missense changes on protein structure and function are either unavailable or do not agree on the potential impact of this missense change (SIFT: "Tolerated"; PolyPhen-2: "Probably Damaging"; Align-GVGD: "Class C0"). In summary, the available evidence is currently insufficient to determine the role of this variant in disease. Therefore, it has been classified as a Variant of Uncertain Significance.